The following is an entry in ClinVar:

ClinVar aggregate classification (germline): Benign (1 of 4 stars; one submission).

Conditions:
Lynch syndrome 4 (LYNCH4). Also called: Colorectal cancer, hereditary nonpolyposis, type 4; Hereditary non-polyposis colorectal cancer, type 4. Identifiers: Orphanet 144, MedGen C1838333, MONDO:0013699, OMIM 614337. Disease mechanism: loss of function.

Submission:

Myriad Genetics, Inc.
Classification: Benign for Lynch syndrome 4. Last evaluated: 2025-01-23. Review status: criteria provided, single submitter. Criteria: Myriad Autosomal Dominant, Autosomal Recessive and X-Linked Classification Criteria (2023). Collection method: clinical testing. Allele origin: unknown.
Comment: This variant is considered benign. This variant is a silent/synonymous amino acid change and it is not expected to impact splicing.

NM_000535.7(PMS2):c.156T>G (p.Thr52=)

Gene: PMS2 (PMS1 homolog 2, mismatch repair system component; minus strand). Cytogenetic location: 7p22.1.
Variant type: single nucleotide variant.
Coding change: c.156T>G on transcript NM_000535.7 (MANE Select); coding-DNA position 156, T replaced by G.
Protein change: p.Thr52=; no amino-acid change (threonine 52 retained).
Molecular consequence: synonymous variant. On other transcripts: 5 prime UTR variant (38), non-coding transcript variant (1), intron variant (7).
Genome position (GRCh38, 1-based): chr7:6,005,899, A>C on the plus strand (T>G on the coding strand, the complement: PMS2 is on the minus strand). VCF-style: chr7-6005899-A-C. GRCh37 (hg19) VCF-style: chr7-6045530-A-C.
Other names: c.-250T>G (NM_001322003.2, NM_001322005.2, NM_001322009.2 and 10 more transcripts); c.156T>G, p.Thr52= (NM_001322006.2, NM_001322014.2, NM_001406868.1 and 10 more transcripts); c.-60T>G (NM_001322007.2, NM_001406876.1, NM_001406883.1 and 4 more transcripts); c.-729T>G (NM_001322011.2, NM_001322012.2); c.-329T>G (NM_001322015.2, NM_001406875.1, NM_001406877.1 and 2 more transcripts); c.342T>G, p.Thr114= (NM_001406866.1); c.-276T>G (NM_001406880.1); c.-197T>G (NM_001406888.1, NM_001406889.1, NM_001406892.1 and 5 more transcripts); and 7 more.
Identifiers: ClinVar variation 3903576 (VCV003903576.1).
Genomic context (GRCh38, chr7:6,005,899, plus strand): 5'-TACAACAACATTCACAGATCATTTCTTGTGGCTTAAAACTCTCCCAAACTTACCAATATT[A>C]GTGGCACCAGCATCCAGACTGTTTTCTACTAACTCCTTTACCGCAGTGCTTAGACTCAGT-3'
Protein context (NP_000526.2, residues 42-62): LVENSLDAGA[Thr52=]NIDLKLKDYG